The following is an entry in ClinVar:

ClinVar aggregate classification (germline): Uncertain significance (1 of 4 stars; one submission).

Submission:

ISCA site 4
Classification: Uncertain significance. Last evaluated: 2011-08-12. Review status: criteria provided, single submitter. Criteria: Kaminsky et al. (Genet Med. 2011). Collection method: clinical testing. Allele origin: unknown. Affected: yes. Observed: 1 variant allele.
Comment: Copy number variation identified through the course of routine clinical cytogenomic testing in postnatal populations. Clinical assertions have been curated as described in Kaminsky et al. 2011.

GRCh38/hg38 1p31.3(chr1:61258246-63189366)x3

Genes: ANGPTL3 (angiopoietin like 3; plus strand), ATG4C (autophagy related 4C cysteine peptidase; plus strand), DOCK7 (dedicator of cytokinesis 7; minus strand), DOCK7-DT (DOCK7 divergent transcript; plus strand), KANK4 (KN motif and ankyrin repeat domains 4; minus strand) and 41 more. Cytogenetic location: 1p31.3.
Variant type: copy number gain.
Change: copy number 3 (three copies instead of two) of chr1:61,258,246-63,189,366 (1.93 Mb, GRCh38 coordinates, 1-based), cytogenetic band 1p31.3.
Identifiers: ClinVar variation 57304 (VCV000057304.1).